The following is an entry in ClinVar:

ClinVar aggregate classification (germline): Uncertain significance. Review status: criteria provided, multiple submitters, no conflicts (2 of 4 stars). 2 submissions from 2 submitters: Uncertain significance (2). Last evaluated 2024-12-16.

Conditions:
Beta-D-mannosidosis (MANSB). Also called: LYSOSOMAL BETA-MANNOSIDASE DEFICIENCY; MANNOSIDOSIS, BETA A, LYSOSOMAL; BETA-MANNOSIDASE DEFICIENCY; Beta-Mannosidosis. Identifiers: Orphanet 118, MedGen C4048196, MONDO:0009562, OMIM 248510.

Allele frequency attached by ClinVar (database versions not stated): gnomAD 0.00001; gnomAD exomes 0.00001 and 0.00003; ExAC 0.00002; TOPMed 0.00002.
gnomAD v4.1: 10 of 1,613,046 alleles (0.00062%); highest among the groups gnomAD compares: Admixed American, 0.017%; no homozygotes.

Submissions (2):

Labcorp Genetics (formerly Invitae), Labcorp
Classification: Uncertain significance for Beta-D-mannosidosis. Last evaluated: 2024-12-16. Review status: criteria provided, single submitter. Criteria: Invitae Variant Classification Sherloc (09022015). Collection method: clinical testing. Allele origin: germline.
Comment: This sequence change replaces alanine, which is neutral and non-polar, with threonine, which is neutral and polar, at codon 434 of the MANBA protein (p.Ala434Thr). This variant is present in population databases (rs753441236, gnomAD 0.02%). This variant has not been reported in the literature in individuals affected with MANBA-related conditions. ClinVar contains an entry for this variant (Variation ID: 1434545). Invitae Evidence Modeling of protein sequence and biophysical properties (such as structural, functional, and spatial information, amino acid conservation, physicochemical variation, residue mobility, and thermodynamic stability) indicates that this missense variant is not expected to disrupt MANBA protein function with a negative predictive value of 80%. In summary, the available evidence is currently insufficient to determine the role of this variant in disease. Therefore, it has been classified as a Variant of Uncertain Significance.

Blueprint Genetics
Classification: Uncertain significance. Last evaluated: 2019-12-12. Review status: criteria provided, single submitter. Criteria: ACMG Guidelines, 2015. Collection method: clinical testing. Allele origin: germline.

NM_005908.4(MANBA):c.1300G>A (p.Ala434Thr)

Gene: MANBA (mannosidase beta; minus strand). Cytogenetic location: 4q24.
Variant type: single nucleotide variant.
Coding change: c.1300G>A on transcript NM_005908.4 (MANE Select); coding-DNA position 1300, G replaced by A.
Protein change: p.Ala434Thr; replaces alanine 434 with threonine.
Molecular consequence: missense variant.
Genome position (GRCh38, 1-based): chr4:102,668,980, C>T on the plus strand (G>A on the coding strand, the complement: MANBA is on the minus strand). VCF-style: chr4-102668980-C-T. GRCh37 (hg19) VCF-style: chr4-103590137-C-T.
Other names: short protein forms A434T.
Identifiers: ClinVar variation 1434545 (VCV001434545.7), dbSNP rs753441236, ClinGen allele CA3026949.